The following is an entry in ClinVar:

ClinVar aggregate classification (germline): Pathogenic/Likely pathogenic. Review status: criteria provided, multiple submitters, no conflicts (2 of 4 stars). 6 submissions from 6 submitters: Pathogenic (4); Likely pathogenic (1). 1 of the submissions does not count toward it. Last evaluated 2026-04-02.

Conditions:
Ellis-van Creveld syndrome (EVC). Also called: Chondroectodermal dysplasia; MESOECTODERMAL DYSPLASIA. Identifiers: Orphanet 289, MedGen C0013903, MONDO:0009162, OMIM 225500.
Curry-Hall syndrome (WAD). Also called: WEYERS ACRODENTAL DYSOSTOSIS. Identifiers: Orphanet 952, MedGen C0457013, MONDO:0008673, OMIM 193530.

Allele frequency attached by ClinVar (database versions not stated): ExAC 0.00001; gnomAD exomes below 0.00001; TOPMed 0.00003.
gnomAD v4.1: 4 of 1,614,180 alleles (0.00025%); highest among the groups gnomAD compares: Admixed American, 0.005%; no homozygotes.

Submissions (6):

Dasa
Classification: Pathogenic. Last evaluated: 2026-04-02. Review status: criteria provided, single submitter. Criteria: DASA Assertion Criteria. Collection method: clinical testing. Allele origin: germline.
Comment: NM_153717.3(EVC):c.1678G>T (p.Glu560*) introduces a premature termination codon leading to truncation of the protein. Loss-of-function is an established mechanism of disease for this gene. The variant has been reported in individuals with Ellis-van Creveld syndrome (PMID: 29229899). It is present at low frequency in population datasets. Based on the available data, this variant is classified as pathogenic.

Natera, Inc.
Classification: Pathogenic for Ellis-van Creveld syndrome. Last evaluated: 2025-05-15. Review status: criteria provided, single submitter. Criteria: Natera Variant Classification Schema (03/2026). Collection method: clinical testing. Allele origin: germline.
Comment: The c.1678G>T variant in EVC is a nonsense variant predicted to introduce a stop codon at amino acid 560. This variant is expected to result in nonsense mediated decay, truncation, or a dysfunctional protein product. This variant is rare in the general population with a frequency below the threshold expected for the associated phenotype(s). This variant has been observed in one or more individuals affected with the associated recessive disease, as either homozygous or compound heterozygous with a second variant (PMID: 19810119, 29229899). Given the available evidence, this variant is classified as Pathogenic.

Labcorp Genetics (formerly Invitae), Labcorp
Classification: Pathogenic for Curry-Hall syndrome; Ellis-van Creveld syndrome. Last evaluated: 2024-02-09. Review status: criteria provided, single submitter. Criteria: Invitae Variant Classification Sherloc (09022015). Collection method: clinical testing. Allele origin: germline.
Comment: This sequence change creates a premature translational stop signal (p.Glu560*) in the EVC gene. It is expected to result in an absent or disrupted protein product. Loss-of-function variants in EVC are known to be pathogenic (PMID: 23220543). This variant is present in population databases (rs764397417, gnomAD 0.003%). This premature translational stop signal has been observed in individuals with Ellis-van Creveld syndrome (PMID: 19810119, 29229899). It has also been observed to segregate with disease in related individuals. ClinVar contains an entry for this variant (Variation ID: 553266). For these reasons, this variant has been classified as Pathogenic.

Fulgent Genetics
Classification: Pathogenic for Curry-Hall syndrome; Ellis-van Creveld syndrome. Last evaluated: 2022-02-10. Review status: criteria provided, single submitter. Criteria: ACMG Guidelines, 2015. Collection method: clinical testing. Allele origin: unknown.

Baylor Genetics
Classification: Likely pathogenic for Ellis-van Creveld syndrome. Last evaluated: 2020-06-11. Review status: criteria provided, single submitter. Criteria: ACMG Guidelines, 2015. Collection method: clinical testing. Allele origin: unknown. Affected: yes.
Comment: This variant was determined to be likely pathogenic according to ACMG Guidelines, 2015 [PMID:25741868].

Counsyl
Classification: Likely pathogenic for Ellis-van Creveld syndrome. Last evaluated: 2017-08-10. Review status: no assertion criteria provided. Collection method: clinical testing. Allele origin: unknown. Not counted in ClinVar's aggregate classification.

Literature cited by the submitters: PubMed 29229899 (cited by 3 submitters); PubMed 19810119 (cited by 3 submitters); PubMed 23220543 (cited by Labcorp Genetics (formerly Invitae), Labcorp).

NM_153717.3(EVC):c.1678G>T (p.Glu560Ter)

Gene: EVC (EvC ciliary complex subunit 1; plus strand). Cytogenetic location: 4p16.2.
Variant type: single nucleotide variant.
Coding change: c.1678G>T on transcript NM_153717.3 (MANE Select); coding-DNA position 1678, G replaced by T.
Protein change: p.Glu560Ter; replaces glutamic acid 560 with a stop codon.
Molecular consequence: nonsense.
Genome position (GRCh38, 1-based): chr4:5,783,666, G>T. VCF-style: chr4-5783666-G-T. GRCh37 (hg19) VCF-style: chr4-5785393-G-T.
Other names: c.1678G>T, p.Glu560Ter (NM_001306090.2); short protein forms E560*.
Identifiers: ClinVar variation 553266 (VCV000553266.20), dbSNP rs764397417, ClinGen allele CA2836220.